The following is an entry in ClinVar:

NM_002335.4(LRP5):c.562A>G (p.Ile188Val)

Gene: LRP5 (LDL receptor related protein 5; plus strand). Cytogenetic location: 11q13.2.
Variant type: single nucleotide variant.
Coding change: c.562A>G on transcript NM_002335.4 (MANE Select); coding-DNA position 562, A replaced by G.
Protein change: p.Ile188Val; replaces isoleucine 188 with valine.
Molecular consequence: missense variant. On other transcripts: 5 prime UTR variant (1).
Genome position (GRCh38, 1-based): chr11:68,357,723, A>G. VCF-style: chr11-68357723-A-G. GRCh37 (hg19) VCF-style: chr11-68125191-A-G.
Other names: c.562A>G (NM_002335.2); c.-1204A>G (NM_001291902.2); short protein forms I188V.
Identifiers: ClinVar variation 3610571 (VCV003610571.3).
Genomic context (GRCh38, chr11:68,357,723, plus strand): 5'-ACAGACTGGGGTGAGACGCCCCGGATTGAGCGGGCAGGGATGGATGGCAGCACCCGGAAG[A>G]TCATTGTGGACTCGGACATTTACTGGCCCAATGGACTGACCATCGACCTGGAGGAGCAGA-3'
Protein context (NP_002326.2, residues 178-198): RAGMDGSTRK[Ile188Val]IVDSDIYWPN

ClinVar aggregate classification (germline): Uncertain significance. Review status: criteria provided, multiple submitters, no conflicts (2 of 4 stars). 2 submissions from 2 submitters: Uncertain significance (2). Last evaluated 2025-08-23.

Conditions:
Inborn genetic diseases. Identifiers: MedGen C0950123, MeSH D030342.

gnomAD v4.1: 3 of 1,614,180 alleles (0.00019%); highest among the groups gnomAD compares: Non-Finnish European, 0.00025%; no homozygotes.

Submissions (2):

Ambry Genetics
Classification: Uncertain significance for Inborn genetic diseases. Last evaluated: 2025-08-23. Review status: criteria provided, single submitter. Criteria: Ambry Variant Classification Scheme 2023. Collection method: clinical testing. Allele origin: germline.

Labcorp Genetics (formerly Invitae), Labcorp
Classification: Uncertain significance. Last evaluated: 2025-06-02. Review status: criteria provided, single submitter. Criteria: Invitae Variant Classification Sherloc (09022015). Collection method: clinical testing. Allele origin: germline.
Comment: This sequence change replaces isoleucine, which is neutral and non-polar, with valine, which is neutral and non-polar, at codon 188 of the LRP5 protein (p.Ile188Val). This variant is present in population databases (rs372984788, gnomAD 0.0009%). This variant has not been reported in the literature in individuals affected with LRP5-related conditions. ClinVar contains an entry for this variant (Variation ID: 3610571). Invitae Evidence Modeling of protein sequence and biophysical properties (such as structural, functional, and spatial information, amino acid conservation, physicochemical variation, residue mobility, and thermodynamic stability) indicates that this missense variant is not expected to disrupt LRP5 protein function with a negative predictive value of 95%. In summary, the available evidence is currently insufficient to determine the role of this variant in disease. Therefore, it has been classified as a Variant of Uncertain Significance.